The following is an entry in ClinVar:

ClinVar aggregate classification (germline): Uncertain significance. Review status: criteria provided, multiple submitters, no conflicts (2 of 4 stars). 2 submissions from 2 submitters: Uncertain significance (2). Last evaluated 2021-02-21.

Conditions:
Hereditary cancer-predisposing syndrome. Also called: Neoplastic Syndromes, Hereditary; Tumor predisposition; Hereditary Cancer Syndrome; Hereditary neoplastic syndrome. Identifiers: Orphanet 140162, MedGen C0027672, MeSH D009386, MONDO:0015356.
Hereditary nonpolyposis colorectal neoplasms. Identifiers: MedGen C0009405, MeSH D003123.

Allele frequency attached by ClinVar (database versions not stated): gnomAD exomes below 0.00001; gnomAD 0.00001.
gnomAD v4.1: 2 of 1,613,954 alleles (0.00012%); highest among the groups gnomAD compares: Non-Finnish European, 0.00017%; no homozygotes.

Submissions (2):

Labcorp Genetics (formerly Invitae), Labcorp
Classification: Uncertain significance for Hereditary nonpolyposis colorectal neoplasms. Last evaluated: 2021-02-21. Review status: criteria provided, single submitter. Criteria: Invitae Variant Classification Sherloc (09022015). Collection method: clinical testing. Allele origin: germline.
Comment: In summary, the available evidence is currently insufficient to determine the role of this variant in disease. Therefore, it has been classified as a Variant of Uncertain Significance. Advanced modeling of protein sequence and biophysical properties (such as structural, functional, and spatial information, amino acid conservation, physicochemical variation, residue mobility, and thermodynamic stability) performed at Invitae indicates that this missense variant is expected to disrupt MSH6 protein function. This variant has not been reported in the literature in individuals with MSH6-related conditions. ClinVar contains an entry for this variant (Variation ID: 483873). This variant is not present in population databases (ExAC no frequency). This sequence change replaces phenylalanine with leucine at codon 1285 of the MSH6 protein (p.Phe1285Leu). The phenylalanine residue is highly conserved and there is a small physicochemical difference between phenylalanine and leucine.

Ambry Genetics
Classification: Uncertain significance for Hereditary cancer-predisposing syndrome. Last evaluated: 2018-08-24. Review status: criteria provided, single submitter. Criteria: Ambry Variant Classification Scheme 2023. Collection method: clinical testing. Allele origin: germline.
Comment: The p.F1285L variant (also known as c.3853T>C), located in coding exon 9 of the MSH6 gene, results from a T to C substitution at nucleotide position 3853. The phenylalanine at codon 1285 is replaced by leucine, an amino acid with highly similar properties. This amino acid position is highly conserved in available vertebrate species. In addition, this alteration is predicted to be deleterious by in silico analysis. In addition, the CoDP in silico tool predicts this alteration as likely to have an impact on molecular function, with a score of 0.989 (Terui H et al. J. Biomed. Sci. 2013 Apr;20:25). Since supporting evidence is limited at this time, the clinical significance of this alteration remains unclear.

NM_000179.3(MSH6):c.3853T>C (p.Phe1285Leu)

Gene: MSH6 (mutS homolog 6; plus strand). Cytogenetic location: 2p16.3.
Variant type: single nucleotide variant.
Coding change: c.3853T>C on transcript NM_000179.3 (MANE Select); coding-DNA position 3853, T replaced by C.
Protein change: p.Phe1285Leu; replaces phenylalanine 1285 with leucine.
Molecular consequence: missense variant.
Genome position (GRCh38, 1-based): chr2:47,806,503, T>C. VCF-style: chr2-47806503-T-C. GRCh37 (hg19) VCF-style: chr2-48033642-T-C.
Other names: c.3463T>C, p.Phe1155Leu (NM_001281492.2); c.2947T>C, p.Phe983Leu (NM_001281493.2, NM_001281494.2); short protein forms F1285L, F983L, F1155L.
Identifiers: ClinVar variation 483873 (VCV000483873.13), dbSNP rs1369714474, ClinGen allele CA346761314.